The following is an entry in ClinVar:

ClinVar aggregate classification (germline): Conflicting classifications of pathogenicity. Review status: criteria provided, conflicting classifications (1 of 4 stars). 2 submissions from 2 submitters: Uncertain significance (1); Likely benign (1). Last evaluated 2025-01-26.

gnomAD v4.1: 157 of 1,611,354 alleles (0.0097%); highest among the groups gnomAD compares: South Asian, 0.013%; no homozygotes.

Submissions (2):

Ambry Genetics
Classification: Likely benign. Last evaluated: 2025-01-26. Review status: criteria provided, single submitter. Criteria: Ambry Variant Classification Scheme 2023. Collection method: clinical testing. Allele origin: germline.

Labcorp Genetics (formerly Invitae), Labcorp
Classification: Uncertain significance. Last evaluated: 2024-07-19. Review status: criteria provided, single submitter. Criteria: Invitae Variant Classification Sherloc (09022015). Collection method: clinical testing. Allele origin: germline.
Comment: This sequence change replaces arginine, which is basic and polar, with histidine, which is basic and polar, at codon 424 of the MYLIP protein (p.Arg424His). This variant is present in population databases (rs199758517, gnomAD 0.02%). This variant has not been reported in the literature in individuals affected with MYLIP-related conditions. An algorithm developed to predict the effect of missense changes on protein structure and function outputs the following: PolyPhen-2: "Benign". The histidine amino acid residue is found in multiple mammalian species, which suggests that this missense change does not adversely affect protein function. In summary, the available evidence is currently insufficient to determine the role of this variant in disease. Therefore, it has been classified as a Variant of Uncertain Significance.

NM_013262.4(MYLIP):c.1271G>A (p.Arg424His)

Gene: MYLIP (myosin regulatory light chain interacting protein; plus strand). Cytogenetic location: 6p22.3.
Variant type: single nucleotide variant.
Coding change: c.1271G>A on transcript NM_013262.4 (MANE Select); coding-DNA position 1271, G replaced by A.
Protein change: p.Arg424His; replaces arginine 424 with histidine.
Molecular consequence: missense variant.
Genome position (GRCh38, 1-based): chr6:16,146,684, G>A. VCF-style: chr6-16146684-G-A. GRCh37 (hg19) VCF-style: chr6-16146915-G-A.
Other names: c.1271G>A (NM_013262.3); short protein forms R424H.
Identifiers: ClinVar variation 3645546 (VCV003645546.3).
Genomic context (GRCh38, chr6:16,146,684, plus strand): 5'-TTGCATGCTAACAGAGACTGTTGGCTTTTCTTTCCCAGTCATGTCCCGTCTGCAGGTCGC[G>A]TGTGGAGCATGTCCAGCACGTCTATCTGCCAACGCACACCAGTCTTCTCAATCTGACTGT-3'
Protein context (NP_037394.2, residues 414-434): QLQSCPVCRS[Arg424His]VEHVQHVYLP